The following is an entry in ClinVar:

ClinVar aggregate classification (germline): Uncertain significance (1 of 4 stars; one submission).

Conditions:
Inborn genetic diseases. Identifiers: MedGen C0950123, MeSH D030342.

gnomAD v4.1: 3 of 1,613,938 alleles (0.00019%); highest among the groups gnomAD compares: Admixed American, 0.0017%; no homozygotes.

Submission:

Ambry Genetics
Classification: Uncertain significance for Inborn genetic diseases. Last evaluated: 2024-12-10. Review status: criteria provided, single submitter. Criteria: Ambry Variant Classification Scheme 2023. Collection method: clinical testing. Allele origin: germline.
Comment: The p.S24C variant (also known as c.71C>G), located in coding exon 2 of the CEP57 gene, results from a C to G substitution at nucleotide position 71. The serine at codon 24 is replaced by cysteine, an amino acid with dissimilar properties. This amino acid position is conserved. In addition, this alteration is predicted to be tolerated by in silico analysis. Based on the available evidence, the clinical significance of this variant remains unclear.

NM_014679.5(CEP57):c.71C>G (p.Ser24Cys)

Gene: CEP57 (centrosomal protein 57; plus strand). Cytogenetic location: 11q21.
Variant type: single nucleotide variant.
Coding change: c.71C>G on transcript NM_014679.5 (MANE Select); coding-DNA position 71, C replaced by G.
Protein change: p.Ser24Cys; replaces serine 24 with cysteine.
Molecular consequence: missense variant. On other transcripts: 5 prime UTR variant (1).
Genome position (GRCh38, 1-based): chr11:95,799,257, C>G. VCF-style: chr11-95799257-C-G. GRCh37 (hg19) VCF-style: chr11-95532421-C-G.
Other names: c.44C>G, p.Ser15Cys (NM_001243776.2); c.71C>G, p.Ser24Cys (NM_001243777.2); c.-11C>G (NM_001363604.2); short protein forms S15C, S24C.
Identifiers: ClinVar variation 3266225 (VCV003266225.2).